The following is an entry in ClinVar:

ClinVar aggregate classification (germline): Benign (0 of 4 stars; one submission).

Conditions:
MTHFD1-related disorder. Also called: MTHFD1-related condition.

Allele frequency attached by ClinVar (database versions not stated): gnomAD exomes 0.00411; gnomAD 0.04361; 1000 Genomes Project 30x 0.05387; TOPMed 0.04811; ExAC 0.00720; 1000 Genomes Project 0.05172.
gnomAD v4.1: 12,613 of 1,535,958 alleles (0.82%); highest among the groups gnomAD compares: African/African-American, 15%; 853 homozygotes.

Submission:

PreventionGenetics, part of Exact Sciences
Classification: Benign for MTHFD1-related condition. Last evaluated: 2019-03-19. Review status: no assertion criteria provided. Collection method: clinical testing. Allele origin: germline.
Comment: This variant is classified as benign based on ACMG/AMP sequence variant interpretation guidelines (Richards et al. 2015 PMID: 25741868, with internal and published modifications).

NM_005956.4(MTHFD1):c.*148A>C

Genes: MTHFD1 (methylenetetrahydrofolate dehydrogenase, cyclohydrolase and formyltetrahydrofolate synthetase 1; plus strand), ZBTB25 (zinc finger and BTB domain containing 25; minus strand). Cytogenetic location: 14q23.3.
Variant type: single nucleotide variant.
Coding change: c.*148A>C on transcript NM_005956.4 (MANE Select); 148 bases downstream of the stop codon, A replaced by C.
Molecular consequence: 3 prime UTR variant. On other transcripts: missense variant (1), intron variant (1).
Genome position (GRCh38, 1-based): chr14:64,459,902, A>C. VCF-style: chr14-64459902-A-C. GRCh37 (hg19) VCF-style: chr14-64926620-A-C.
Other names: c.2862A>C, p.Glu954Asp (NM_001364837.1); c.174-10264T>G (NM_001304508.1); short protein forms E954D.
Identifiers: ClinVar variation 3044745 (VCV003044745.2), dbSNP rs1801340, ClinGen allele CA7226724.